The following is an entry in ClinVar:

NM_015046.7(SETX):c.3905G>A (p.Arg1302Gln)

Gene: SETX (senataxin; minus strand). Cytogenetic location: 9q34.13.
Variant type: single nucleotide variant.
Coding change: c.3905G>A on transcript NM_015046.7 (MANE Select); coding-DNA position 3905, G replaced by A.
Protein change: p.Arg1302Gln; replaces arginine 1302 with glutamine.
Molecular consequence: missense variant.
Genome position (GRCh38, 1-based): chr9:132,327,693, C>T on the plus strand (G>A on the coding strand, the complement: SETX is on the minus strand). VCF-style: chr9-132327693-C-T. GRCh37 (hg19) VCF-style: chr9-135203080-C-T.
Other names: c.3905G>A, p.Arg1302Gln (NM_001351527.2, NM_001351528.2); short protein forms R1302Q.
Identifiers: ClinVar variation 2223724 (VCV002223724.2), dbSNP rs1417093374, ClinGen allele CA375328045.
Genomic context (GRCh38, chr9:132,327,693, plus strand): 5'-GTATCAACTACTCCAACAGTTTTGCCATGATCACGTAATTGAGCTACATAATCCAAAGAC[C>T]GCTGGGACAACTCATATGCCTTACGAGGACCCTTTTTCAGGCCAAGTTTCTCAGCTGTTG-3'
Protein context (NP_055861.3, residues 1292-1312): GPRKAYELSQ[Arg1302Gln]SLDYVAQLRD

ClinVar aggregate classification (germline): Uncertain significance (1 of 4 stars; one submission).

Conditions:
Inborn genetic diseases. Identifiers: MedGen C0950123, MeSH D030342.

Allele frequency attached by ClinVar (database versions not stated): gnomAD 0.00001; TOPMed 0.00002.
gnomAD v4.1: 16 of 1,613,838 alleles (0.00099%); highest among the groups gnomAD compares: East Asian, 0.0022%; no homozygotes.

Submission:

Ambry Genetics
Classification: Uncertain significance for Inborn genetic diseases. Last evaluated: 2022-02-11. Review status: criteria provided, single submitter. Criteria: Ambry Variant Classification Scheme 2023. Collection method: clinical testing. Allele origin: germline.
Comment: The c.3905G>A (p.R1302Q) alteration is located in exon 10 (coding exon 8) of the SETX gene. This alteration results from a G to A substitution at nucleotide position 3905, causing the arginine (R) at amino acid position 1302 to be replaced by a glutamine (Q). Based on data from the Genome Aggregation Database (gnomAD), the c.3905G>A alteration was observed in 0.0007% (2/282,714) of total alleles studied, with a frequency of 0.005% (1/19,952) in the East Asian subpopulation. The p.R1302 amino acid is not conserved in available vertebrate species. The p.R1302Q alteration is predicted to be tolerated by in silico analysis. Based on insufficient or conflicting evidence, the clinical significance of this alteration remains unclear.